The following is an entry in ClinVar:

NM_001130823.3(DNMT1):c.929C>T (p.Ala310Val)

Gene: DNMT1 (DNA methyltransferase 1; minus strand). Cytogenetic location: 19p13.2.
Variant type: single nucleotide variant.
Coding change: c.929C>T on transcript NM_001130823.3 (MANE Select); coding-DNA position 929, C replaced by T.
Protein change: p.Ala310Val; replaces alanine 310 with valine.
Molecular consequence: missense variant.
Genome position (GRCh38, 1-based): chr19:10,162,746, G>A on the plus strand (C>T on the coding strand, the complement: DNMT1 is on the minus strand). VCF-style: chr19-10162746-G-A. GRCh37 (hg19) VCF-style: chr19-10273422-G-A.
Other names: c.881C>T, p.Ala294Val (NM_001318730.2, NM_001379.4); c.566C>T, p.Ala189Val (NM_001318731.2); short protein forms A189V, A294V, A310V.
Identifiers: ClinVar variation 1020024 (VCV001020024.9), dbSNP rs559861049, ClinGen allele CA9188506.
Genomic context (GRCh38, chr19:10,162,746, plus strand): 5'-TCATCAGAAATCTGTGGATTTACTTTTTCAGGTTCTTTTTCTTCGGGCCTCCGTTTGGCA[G>A]CTCTGCAGGGTGAACAGATACACAGCAAGTAGCAGCTTAGAAACACTAACCACATCGCCA-3'
Protein context (NP_001124295.1, residues 300-320): KKHRSQPKDL[Ala310Val]AKRRPEEKEP

ClinVar aggregate classification (germline): Uncertain significance (1 of 4 stars; one submission).

Conditions:
Hereditary sensory neuropathy-deafness-dementia syndrome. Also called: Hereditary sensory neuropathy type IE; HSN IE; NEUROPATHY, HEREDITARY SENSORY, WITH HEARING LOSS AND DEMENTIA; Hereditary Sensory and Autonomic Neuropathy Type 1E (HSAN1E). Identifiers: Orphanet 456318, MedGen C3279885, MONDO:0013584, OMIM 614116.

Allele frequency attached by ClinVar (database versions not stated): gnomAD below 0.00001 and 0.00001; gnomAD exomes 0.00001; TOPMed 0.00001; ExAC 0.00002; 1000 Genomes Project 30x 0.00016; 1000 Genomes Project 0.00020.

Submission:

Labcorp Genetics (formerly Invitae), Labcorp
Classification: Uncertain significance for Hereditary sensory neuropathy-deafness-dementia syndrome. Last evaluated: 2025-02-21. Review status: criteria provided, single submitter. Criteria: Invitae Variant Classification Sherloc (09022015). Collection method: clinical testing. Allele origin: germline.
Comment: This sequence change replaces alanine, which is neutral and non-polar, with valine, which is neutral and non-polar, at codon 310 of the DNMT1 protein (p.Ala310Val). This variant is present in population databases (rs559861049, gnomAD 0.006%). This variant has not been reported in the literature in individuals affected with DNMT1-related conditions. ClinVar contains an entry for this variant (Variation ID: 1020024). An algorithm developed to predict the effect of missense changes on protein structure and function (PolyPhen-2) suggests that this variant is likely to be tolerated. In summary, the available evidence is currently insufficient to determine the role of this variant in disease. Therefore, it has been classified as a Variant of Uncertain Significance.